The following is an entry in ClinVar:

ClinVar aggregate classification (germline): Uncertain significance (1 of 4 stars; one submission).

Conditions:
Hereditary spastic paraplegia 7 (SPG7). Also called: Autosomal recessive spastic paraplegia type 7; SPG7-related neurologic disorder; SPASTIC PARAPLEGIA 7, AUTOSOMAL RECESSIVE, WITH OR WITHOUT CEREBELLAR ATAXIA; Spastic paraplegia 7; Hereditary spastic paraplegia Paraplegin type. Identifiers: Orphanet 99013, MedGen C1846564, MONDO:0011803, OMIM 607259.

Allele frequency attached by ClinVar (database versions not stated): ExAC 0.00001.
gnomAD v4.1: 19 of 1,607,852 alleles (0.0012%); highest among the groups gnomAD compares: South Asian, 0.0078%; no homozygotes.

Submission:

Labcorp Genetics (formerly Invitae), Labcorp
Classification: Uncertain significance for Hereditary spastic paraplegia 7. Last evaluated: 2021-12-02. Review status: criteria provided, single submitter. Criteria: Invitae Variant Classification Sherloc (09022015). Collection method: clinical testing. Allele origin: germline.
Comment: This sequence change replaces valine, which is neutral and non-polar, with isoleucine, which is neutral and non-polar, at codon 643 of the SPG7 protein (p.Val643Ile). This variant is present in population databases (rs778965259, gnomAD 0.01%). This variant has not been reported in the literature in individuals affected with SPG7-related conditions. Advanced modeling of protein sequence and biophysical properties (such as structural, functional, and spatial information, amino acid conservation, physicochemical variation, residue mobility, and thermodynamic stability) performed at Invitae indicates that this missense variant is not expected to disrupt SPG7 protein function. In summary, the available evidence is currently insufficient to determine the role of this variant in disease. Therefore, it has been classified as a Variant of Uncertain Significance.

NM_003119.4(SPG7):c.1927G>A (p.Val643Ile)

Gene: SPG7 (SPG7 matrix AAA peptidase subunit, paraplegin; plus strand). Cytogenetic location: 16q24.3.
Variant type: single nucleotide variant.
Coding change: c.1927G>A on transcript NM_003119.4 (MANE Select); coding-DNA position 1927, G replaced by A.
Protein change: p.Val643Ile; replaces valine 643 with isoleucine.
Molecular consequence: missense variant.
Genome position (GRCh38, 1-based): chr16:89,553,126, G>A. VCF-style: chr16-89553126-G-A. GRCh37 (hg19) VCF-style: chr16-89619534-G-A.
Other names: c.1927G>A, p.Val643Ile (NM_001363850.1); short protein forms V643I.
Identifiers: ClinVar variation 1432611 (VCV001432611.8), dbSNP rs778965259, ClinGen allele CA8244447.
Genomic context (GRCh38, chr16:89,553,126, plus strand): 5'-TTTGAGCGGATGTGCATGGCCCTGGGAGGACGGGCCTCGGAAGCACTGTCCTTCAACGAG[G>A]TCACTTCTGGTGAGGAGCAGCGGCGCGGGCCCTGGAGGTTTCAGAGCGCTTTTCCCTGCA-3'
Protein context (NP_003110.1, residues 633-653): RASEALSFNE[Val643Ile]TSGAQDDLRK